The following is an entry in ClinVar:

ClinVar aggregate classification (germline): Uncertain significance (1 of 4 stars; one submission).

Submission:

Labcorp Genetics (formerly Invitae), Labcorp
Classification: Uncertain significance. Last evaluated: 2021-02-22. Review status: criteria provided, single submitter. Criteria: Invitae Variant Classification Sherloc (09022015). Collection method: clinical testing. Allele origin: germline.
Comment: In summary, the available evidence is currently insufficient to determine the role of this variant in disease. Therefore, it has been classified as a Variant of Uncertain Significance. Algorithms developed to predict the effect of missense changes on protein structure and function output the following: SIFT: "Not Available"; PolyPhen-2: "Benign"; Align-GVGD: "Not Available". The glutamic acid amino acid residue is found in multiple mammalian species, suggesting that this missense change does not adversely affect protein function. These predictions have not been confirmed by published functional studies and their clinical significance is uncertain. This variant has not been reported in the literature in individuals with UNC45A-related conditions. This variant is not present in population databases (ExAC no frequency). This sequence change replaces aspartic acid with glutamic acid at codon 51 of the UNC45A protein (p.Asp51Glu). The aspartic acid residue is weakly conserved and there is a small physicochemical difference between aspartic acid and glutamic acid.

NM_018671.5(UNC45A):c.153C>G (p.Asp51Glu)

Gene: UNC45A (unc-45 myosin chaperone A; plus strand). Cytogenetic location: 15q26.1.
Variant type: single nucleotide variant.
Coding change: c.153C>G on transcript NM_018671.5 (MANE Select); coding-DNA position 153, C replaced by G.
Protein change: p.Asp51Glu; replaces aspartic acid 51 with glutamic acid.
Molecular consequence: missense variant. On other transcripts: 5 prime UTR variant (1).
Genome position (GRCh38, 1-based): chr15:90,935,645, C>G. VCF-style: chr15-90935645-C-G. GRCh37 (hg19) VCF-style: chr15-91478875-C-G.
Other names: c.108C>G, p.Asp36Glu (NM_001039675.2, NM_001323621.2); c.153C>G, p.Asp51Glu (NM_001323619.1); c.-431C>G (NM_001323620.2); short protein forms D51E, D36E.
Identifiers: ClinVar variation 1501421 (VCV001501421.6), dbSNP rs1302859910, ClinGen allele CA393890108.